The following is an entry in ClinVar:

NM_003791.4(MBTPS1):c.1790dup (p.Asn597fs)

Gene: MBTPS1 (membrane bound transcription factor peptidase, site 1; minus strand). Cytogenetic location: 16q23.3.
Variant type: Duplication.
Coding change: c.1790dup on transcript NM_003791.4 (MANE Select); coding-DNA position 1790, one base duplicated (A; older notation c.1790dupA).
Protein change: p.Asn597fs; shifts the reading frame from asparagine 597.
Molecular consequence: frameshift variant.
Genome position (GRCh38, 1-based): chr16:84,070,031, T duplicated on the plus strand (A on the coding strand, the reverse complement: MBTPS1 is on the minus strand); the first of 6 consecutive T bases (chr16:84,070,031-84,070,036); duplicating any one gives the same sequence. VCF-style (leftmost placement, unchanged base first): chr16-84070030-A-AT. GRCh37 (hg19) VCF-style: chr16-84103635-A-AT.
Other names: short protein forms N597fs.
Identifiers: ClinVar variation 3668239 (VCV003668239.2).

ClinVar aggregate classification (germline): Pathogenic (1 of 4 stars; one submission).

Submission:

Labcorp Genetics (formerly Invitae), Labcorp
Classification: Pathogenic. Last evaluated: 2024-11-20. Review status: criteria provided, single submitter. Criteria: Invitae Variant Classification Sherloc (09022015). Collection method: clinical testing. Allele origin: germline.
Comment: This sequence change creates a premature translational stop signal (p.Asn597Lysfs*14) in the MBTPS1 gene. It is expected to result in an absent or disrupted protein product. Loss-of-function variants in MBTPS1 are known to be pathogenic (PMID: 30046013). This variant is not present in population databases (gnomAD no frequency). This variant has not been reported in the literature in individuals affected with MBTPS1-related conditions. For these reasons, this variant has been classified as Pathogenic.

Literature cited by the submitters: PubMed 30046013.